The following is an entry in ClinVar:

ClinVar aggregate classification (germline): Conflicting classifications of pathogenicity. Review status: criteria provided, conflicting classifications (1 of 4 stars). 2 submissions from 2 submitters: Uncertain significance (1); Likely benign (1). Last evaluated 2025-12-03.

Conditions:
PC-related disorder. Also called: PC-related condition.
Pyruvate carboxylase deficiency. Also called: ATAXIA WITH LACTIC ACIDOSIS II; LEIGH NECROTIZING ENCEPHALOPATHY DUE TO PYRUVATE CARBOXYLASE DEFICIENCY; LEIGH SYNDROME DUE TO PYRUVATE CARBOXYLASE DEFICIENCY; PC DEFICIENCY; Pyruvate Carboxylase Deficiency Disease. Identifiers: Orphanet 3008, MedGen C0034341, MONDO:0009949, OMIM 266150.

gnomAD v4.1: 45 of 1,613,568 alleles (0.0028%); highest among the groups gnomAD compares: South Asian, 0.0033%; no homozygotes.

Submissions (2):

Labcorp Genetics (formerly Invitae), Labcorp
Classification: Likely benign for Pyruvate carboxylase deficiency. Last evaluated: 2025-12-03. Review status: criteria provided, single submitter. Criteria: Invitae Variant Classification Sherloc (09022015). Collection method: clinical testing. Allele origin: germline.

PreventionGenetics, part of Exact Sciences
Classification: Uncertain significance for PC-related condition. Last evaluated: 2025-06-06. Review status: criteria provided, single submitter. Criteria: ACMG Guidelines, 2015. Collection method: clinical testing. Allele origin: germline.
Comment: The PC c.695C>T variant is predicted to result in the amino acid substitution p.Ala232Val. To our knowledge, this variant has not been reported in the literature. This variant is reported in 0.036% of alleles in individuals of European (Finnish) descent in gnomAD. At this time, the clinical significance of this variant is uncertain due to the absence of conclusive functional and genetic evidence.

NM_001040716.2(PC):c.695C>T (p.Ala232Val)

Gene: PC (pyruvate carboxylase; minus strand). Cytogenetic location: 11q13.2.
Variant type: single nucleotide variant.
Coding change: c.695C>T on transcript NM_001040716.2 (MANE Select); coding-DNA position 695, C replaced by T.
Protein change: p.Ala232Val; replaces alanine 232 with valine.
Molecular consequence: missense variant.
Genome position (GRCh38, 1-based): chr11:66,870,831, G>A on the plus strand (C>T on the coding strand, the complement: PC is on the minus strand). VCF-style: chr11-66870831-G-A. GRCh37 (hg19) VCF-style: chr11-66638302-G-A.
Other names: c.695C>T, p.Ala232Val (NM_000920.4, NM_001439352.1, NM_001439353.1 and 5 more transcripts); c.695C>T (NM_001040716.1); short protein forms A232V.
Identifiers: ClinVar variation 4717061 (VCV004717061.2).
Genomic context (GRCh38, chr11:66,870,831, plus strand): 5'-TCACCCAAGATCTGCACCTCGATGTGCCGTGGCTTCTCGATGAACTTCTCCACAAACAGC[G>A]CCCCATTCCCAAAGGCGGCCAGAGCCTCTGAGTAGGCCCGGGTGTAATTCTCCTCCAGCT-3'
Protein context (NP_001035806.1, residues 222-242): SEALAAFGNG[Ala232Val]LFVEKFIEKP